The following is an entry in ClinVar:

ClinVar aggregate classification (germline): Uncertain significance (1 of 4 stars; one submission).

Conditions:
Cardiovascular phenotype. Identifiers: MedGen CN230736.

Submission:

Ambry Genetics
Classification: Uncertain significance for Cardiovascular phenotype. Last evaluated: 2023-01-23. Review status: criteria provided, single submitter. Criteria: Ambry Variant Classification Scheme 2023. Collection method: clinical testing. Allele origin: germline.
Comment: The p.Y5* variant (also known as c.15C>A), located in coding exon 1 of the DES gene, results from a C to A substitution at nucleotide position 15. This changes the amino acid from a tyrosine to a stop codon within coding exon 1. The predicted stop codon occurs in the 5&rsquo; end of theDES gene. Premature termination codons in the 5&rsquo; end of a gene have been reported to escape nonsense-mediated mRNAdecay and/or lead to re-initiation (Rivas et al. Science. 2015 May 8;348(6235):666-9; Lindeboom et al. Nat Genet. 2016 Oct;48(10):1112-8; Rhee et al. Sci Rep. 2017 May 10;7(1):1653). Direct evidence for this alteration is unavailable, however premature termination codons are typically deleterious in nature. Although biallelic loss of function alterations in DES have been associated with autosomal recessive DES-related myopathy, haploinsufficiency for DES has not been clearly established as a mechanism of disease for autosomal dominant DES-related myopathy. Since supporting evidence is limited at this time, the clinical significance of this alteration remains unclear.

NM_001927.4(DES):c.15C>A (p.Tyr5Ter)

Gene: DES (desmin; plus strand). Cytogenetic location: 2q35.
Variant type: single nucleotide variant.
Coding change: c.15C>A on transcript NM_001927.4 (MANE Select); coding-DNA position 15, C replaced by A.
Protein change: p.Tyr5Ter; replaces tyrosine 5 with a stop codon.
Molecular consequence: nonsense.
Genome position (GRCh38, 1-based): chr2:219,418,477, C>A. VCF-style: chr2-219418477-C-A. GRCh37 (hg19) VCF-style: chr2-220283199-C-A.
Other names: c.15C>A, p.Tyr5Ter (NM_001382708.1, NM_001382709.1, NM_001382710.1 and 3 more transcripts); short protein forms Y5*.
Identifiers: ClinVar variation 2497629 (VCV002497629.2), dbSNP rs1322222685, ClinGen allele CA350682066.